The following is an entry in ClinVar:

ClinVar aggregate classification (germline): Likely benign. Review status: criteria provided, multiple submitters, no conflicts (2 of 4 stars). 3 submissions from 3 submitters: Likely benign (2). 1 of the submissions does not count toward it. Last evaluated 2026-06-01.

Conditions:
ITGAM-related disorder. Also called: ITGAM-related condition.

Allele frequency attached by ClinVar (database versions not stated): gnomAD exomes 0.00004 and 0.00010; ExAC 0.00011; 1000 Genomes Project 30x 0.00031; 1000 Genomes Project 0.00040; gnomAD 0.00041 and 0.00043; TOPMed 0.00043; ESP Exome Variant Server 0.00047.
gnomAD v4.1: 121 of 1,613,910 alleles (0.0075%); highest among the groups gnomAD compares: African/African-American, 0.12%; no homozygotes.

Submissions (3):

CeGaT Center for Human Genetics Tuebingen
Classification: Likely benign. Last evaluated: 2026-06-01. Review status: criteria provided, single submitter. Criteria: CeGaT Center For Human Genetics Tuebingen Variant Classification Criteria Version 2. Collection method: clinical testing. Allele origin: germline. Affected: yes. Observed: 1 variant allele.
Comment: ITGAM: BP4, BP7

Labcorp Genetics (formerly Invitae), Labcorp
Classification: Likely benign. Last evaluated: 2026-01-06. Review status: criteria provided, single submitter. Criteria: Invitae Variant Classification Sherloc (09022015). Collection method: clinical testing. Allele origin: germline.

PreventionGenetics, part of Exact Sciences
Classification: Likely benign for ITGAM-related condition. Last evaluated: 2019-07-31. Review status: no assertion criteria provided. Collection method: clinical testing. Allele origin: germline. Not counted in ClinVar's aggregate classification.
Comment: This variant is classified as likely benign based on ACMG/AMP sequence variant interpretation guidelines (Richards et al. 2015 PMID: 25741868, with internal and published modifications).

NM_000632.4(ITGAM):c.2430T>C (p.Gly810=)

Gene: ITGAM (integrin subunit alpha M; plus strand). Cytogenetic location: 16p11.2.
Variant type: single nucleotide variant.
Coding change: c.2430T>C on transcript NM_000632.4 (MANE Select); coding-DNA position 2430, T replaced by C.
Protein change: p.Gly810=; no amino-acid change (glycine 810 retained).
Molecular consequence: synonymous variant.
Genome position (GRCh38, 1-based): chr16:31,325,329, T>C. VCF-style: chr16-31325329-T-C. GRCh37 (hg19) VCF-style: chr16-31336650-T-C.
Other names: c.2433T>C, p.Gly811= (NM_001145808.2).
Identifiers: ClinVar variation 786639 (VCV000786639.13), dbSNP rs200472795, ClinGen allele CA8025822.